The following is an entry in ClinVar:

ClinVar aggregate classification (germline): Benign (1 of 4 stars; one submission).

Conditions:
Fleck corneal dystrophy (CFD). Also called: CORNEAL DYSTROPHY, FRANCOIS-NEETENS SPECKLED OR FLECKED. Identifiers: Orphanet 98970, MedGen C1562113, MONDO:0007376, OMIM 121850.

Allele frequency attached by ClinVar (database versions not stated): gnomAD 0.00003; ExAC 0.00006; TOPMed 0.00007.
gnomAD v4.1: 35 of 1,613,190 alleles (0.0022%); highest among the groups gnomAD compares: Admixed American, 0.023%; no homozygotes.

Submission:

Illumina Laboratory Services, Illumina
Classification: Benign for Fleck corneal dystrophy. Last evaluated: 2018-01-13. Review status: criteria provided, single submitter. Criteria: ICSL Variant Classification Criteria 13 December 2019. Collection method: clinical testing. Allele origin: germline.
Comment: This variant was observed in the ICSL laboratory as part of a predisposition screen in an ostensibly healthy population. It had not been previously curated by ICSL or reported in the Human Gene Mutation Database (HGMD: prior to June 1st, 2018), and was therefore a candidate for classification through an automated scoring system. Utilizing variant allele frequency, disease prevalence and penetrance estimates, and inheritance mode, an automated score was calculated to assess if this variant is too frequent to cause the disease. Based on the score and internal cut-off values, a variant classified as benign is not then subjected to further curation. The score for this variant resulted in a classification of benign for this disease.

NM_015040.4(PIKFYVE):c.3719+14C>A

Gene: PIKFYVE (phosphoinositide kinase, FYVE-type zinc finger containing; plus strand). Cytogenetic location: 2q34.
Variant type: single nucleotide variant.
Coding change: c.3719+14C>A on transcript NM_015040.4 (MANE Select); 14 bases into the intron after coding-DNA position 3719, C replaced by A.
Molecular consequence: intron variant.
Genome position (GRCh38, 1-based): chr2:208,328,294, C>A. VCF-style: chr2-208328294-C-A. GRCh37 (hg19) VCF-style: chr2-209193018-C-A.
Identifiers: ClinVar variation 895487 (VCV000895487.4), dbSNP rs765598840, ClinGen allele CA2080108.